The following is an entry in ClinVar:

NM_000093.5(COL5A1):c.5068-141C>A

Genes: COL5A1 (collagen type V alpha 1 chain; plus strand), LOC101448202 (uncharacterized LOC101448202; minus strand). Cytogenetic location: 9q34.3.
Variant type: single nucleotide variant.
Coding change: c.5068-141C>A on transcript NM_000093.5 (MANE Select); 141 bases into the intron before coding-DNA position 5068, C replaced by A.
Molecular consequence: intron variant.
Genome position (GRCh38, 1-based): chr9:134,829,835, C>A. VCF-style: chr9-134829835-C-A. GRCh37 (hg19) VCF-style: chr9-137721681-C-A.
Other names: c.5068-273C>A (NM_001278074.1).
Identifiers: ClinVar variation 675613 (VCV000675613.1), dbSNP rs112040689, ClinGen allele CA201104432.

ClinVar aggregate classification (germline): Likely benign (1 of 4 stars; one submission).

Allele frequency attached by ClinVar (database versions not stated): 1000 Genomes Project 0.01118; TOPMed 0.01269; 1000 Genomes Project 30x 0.01359.
gnomAD v4.1: 2,776 of 897,406 alleles (0.31%); highest among the groups gnomAD compares: African/African-American, 3.9%; 46 homozygotes.

Submission:

GeneDx
Classification: Likely benign. Last evaluated: 2018-06-14. Review status: criteria provided, single submitter. Criteria: GeneDx Variant Classification (06012015). Collection method: clinical testing. Allele origin: germline. Affected: yes.
Comment: This variant is considered likely benign or benign based on one or more of the following criteria: it is a conservative change, it occurs at a poorly conserved position in the protein, it is predicted to be benign by multiple in silico algorithms, and/or has population frequency not consistent with disease.